The following is an entry in ClinVar:

ClinVar aggregate classification (germline): Pathogenic/Likely pathogenic. Review status: criteria provided, multiple submitters, no conflicts (2 of 4 stars). 7 submissions from 7 submitters: Pathogenic (4); Likely pathogenic (3). Last evaluated 2026-05-27.

Conditions:
NPHP3-related disorder. Also called: NPHP3-related disorders; NPHP3-related condition. Identifiers: MedGen CN379163.
NPHP3-related Meckel-like syndrome. Also called: Meckel syndrome type 7; GOLDSTON SYNDROME. Identifiers: Orphanet 3032, MedGen C2673885, MONDO:0009966, OMIM 267010.
Nephronophthisis. Also called: Juvenile Nephronophthisis. Identifiers: Orphanet 655, MedGen C0687120, MONDO:0019005, HP:0000090.
Nephronophthisis 3 (NPHP3). Also called: Adolescent nephronophthisis. Identifiers: Orphanet 655, MedGen C1858392, MONDO:0011456, OMIM 604387.
Renal-hepatic-pancreatic dysplasia 1 (RHPD1). Identifiers: MedGen C3715199, MONDO:0008833, OMIM 208540.

Allele frequency attached by ClinVar (database versions not stated): gnomAD 0.00002; gnomAD exomes 0.00002 and 0.00004; TOPMed 0.00004; ExAC 0.00007.
gnomAD v4.1: 25 of 1,610,294 alleles (0.0016%); highest among the groups gnomAD compares: Non-Finnish European, 0.0021%; no homozygotes.

Submissions (7):

PreventionGenetics, part of Exact Sciences
Classification: Pathogenic for NPHP3-related condition. Last evaluated: 2026-05-27. Review status: criteria provided, single submitter. Criteria: ACMG Guidelines, 2015. Collection method: clinical testing. Allele origin: germline.
Comment: The NPHP3 c.2563C>T variant is predicted to result in premature protein termination (p.Gln855*). This variant has been reported with a second NPHP3 variant in an individual with infantile nephronophthisis (Tory et al. 2009. PubMed ID: 19177160) and in cohort studies of individuals with nephronophthisis; however, case‑level clinical information was not available (Table S2, König et al. 2022; PubMed ID: 36090483; Table S1, Petzold et al. 2023; PubMed ID: 37230223). This variant is reported in 0.0085% of alleles in individuals of European (Non-Finnish) descent in gnomAD. Nonsense variants in NPHP3 are expected to be pathogenic. This variant is interpreted as pathogenic.

Labcorp Genetics (formerly Invitae), Labcorp
Classification: Pathogenic for Nephronophthisis. Last evaluated: 2025-06-17. Review status: criteria provided, single submitter. Criteria: Invitae Variant Classification Sherloc (09022015). Collection method: clinical testing. Allele origin: germline.
Comment: This sequence change creates a premature translational stop signal (p.Gln855*) in the NPHP3 gene. It is expected to result in an absent or disrupted protein product. Loss-of-function variants in NPHP3 are known to be pathogenic (PMID: 18371931, 23559409). This variant is present in population databases (rs201237799, gnomAD 0.009%). This premature translational stop signal has been observed in individual(s) with infantile nephronophthisis (PMID: 19177160). ClinVar contains an entry for this variant (Variation ID: 571559). For these reasons, this variant has been classified as Pathogenic.

Johns Hopkins Genomics, Johns Hopkins University
Classification: Pathogenic for NPHP3-related Meckel-like syndrome. Last evaluated: 2023-10-06. Review status: criteria provided, single submitter. Criteria: ACMG Guidelines, 2015. Collection method: clinical testing. Allele origin: germline.
Comment: NPHP3 c.2563C>T has been reported in the compound heterozygous state in at least one patient with nephronophthisis, and has also been reported in ClinVar (Variation ID 571559). This variant (rs201237799) is rare (<0.1%) in a large population dataset (gnomAD v2.1.1: 11/282752 total alleles; 0.004%; no homozygotes). This nonsense variant results in a premature stop codon in exon 18 of 27, likely leading to nonsense-mediated decay and lack of protein production. We consider c.2563C>T in NPHP3 to be pathogenic.

Department of Pathology and Laboratory Medicine, Sinai Health System
Classification: Likely pathogenic for Renal-hepatic-pancreatic dysplasia 1; Nephronophthisis 3; NPHP3-related Meckel-like syndrome. Last evaluated: 2023-08-29. Review status: criteria provided, single submitter. Criteria: ACMG Guidelines, 2015. Collection method: research. Allele origin: germline.

GeneDx
Classification: Likely pathogenic. Last evaluated: 2023-06-28. Review status: criteria provided, single submitter. Criteria: GeneDx Variant Classification Process June 2021. Collection method: clinical testing. Allele origin: germline. Affected: yes.
Comment: Identified in an individual with nephronophthisis who also harbored a second variant in NPHP3 (Tory et al., 2009); Nonsense variant predicted to result in protein truncation or nonsense mediated decay in a gene for which loss-of-function is a known mechanism of disease; Not observed at a significant frequency in large population cohorts (gnomAD); This variant is associated with the following publications: (PMID: 25525159, 31980526, 36090483, 31345219, 19177160)

Fulgent Genetics
Classification: Likely pathogenic for Renal-hepatic-pancreatic dysplasia 1; NPHP3-related Meckel-like syndrome; Nephronophthisis 3. Last evaluated: 2022-04-08. Review status: criteria provided, single submitter. Criteria: ACMG Guidelines, 2015. Collection method: clinical testing. Allele origin: unknown.

Blueprint Genetics
Classification: Pathogenic for NPHP3-related disorders. Last evaluated: 2020-09-16. Review status: criteria provided, single submitter. Criteria: ACMG Guidelines, 2015. Collection method: clinical testing. Allele origin: germline. Affected: yes. Observed: 5 variant alleles.

Literature cited by the submitters: PubMed 18371931 (cited by Labcorp Genetics (formerly Invitae), Labcorp); PubMed 23559409 (cited by Labcorp Genetics (formerly Invitae), Labcorp and Johns Hopkins Genomics, Johns Hopkins University); PubMed 19177160 (cited by Labcorp Genetics (formerly Invitae), Labcorp and Johns Hopkins Genomics, Johns Hopkins University).

NM_153240.5(NPHP3):c.2563C>T (p.Gln855Ter)

Genes: NPHP3 (nephrocystin 3; minus strand), NPHP3-ACAD11 (NPHP3-ACAD11 readthrough (NMD candidate); minus strand). Cytogenetic location: 3q22.1.
Variant type: single nucleotide variant.
Coding change: c.2563C>T on transcript NM_153240.5 (MANE Select); coding-DNA position 2563, C replaced by T.
Protein change: p.Gln855Ter; replaces glutamine 855 with a stop codon.
Molecular consequence: nonsense. On other transcripts: non-coding transcript variant (1).
Genome position (GRCh38, 1-based): chr3:132,691,199, G>A on the plus strand (C>T on the coding strand, the complement: NPHP3 is on the minus strand). VCF-style: chr3-132691199-G-A. GRCh37 (hg19) VCF-style: chr3-132410043-G-A.
Other names: short protein forms Q855*.
Identifiers: ClinVar variation 571559 (VCV000571559.17), dbSNP rs201237799, ClinGen allele CA2621987.
Genomic context (GRCh38, chr3:132,691,199, plus strand): 5'-AAAGGTAGTGTGTTGCAGAAGTTACAGAAGAACAACAGGAACATTTACAATACCTTAGCT[G>A]CAAGGTGAAATAGTTGATTAGCTTTTGCCTGTATGAAGAAGTAACAGTGGGGCCTTCCAG-3'